The following is an entry in ClinVar:

NM_005245.4(FAT1):c.8535G>A (p.Met2845Ile)

Genes: FAT1 (FAT atypical cadherin 1; minus strand), LOC126807255 (BRD4-independent group 4 enhancer GRCh37_chr4:187538202-187539401; plus strand). Cytogenetic location: 4q35.2.
Variant type: single nucleotide variant.
Coding change: c.8535G>A on transcript NM_005245.4 (MANE Select); coding-DNA position 8535, G replaced by A.
Protein change: p.Met2845Ile; replaces methionine 2845 with isoleucine.
Molecular consequence: missense variant.
Genome position (GRCh38, 1-based): chr4:186,618,051, C>T on the plus strand (G>A on the coding strand, the complement: FAT1 is on the minus strand). VCF-style: chr4-186618051-C-T. GRCh37 (hg19) VCF-style: chr4-187539205-C-T.
Other names: p.Met2845Ile; short protein forms M2845I.
Identifiers: ClinVar variation 781849 (VCV000781849.37), dbSNP rs138948513, ClinGen allele CA3165866.

ClinVar aggregate classification (germline): Benign/Likely benign. Review status: criteria provided, multiple submitters, no conflicts (2 of 4 stars). 5 submissions from 5 submitters: Benign (2); Likely benign (2). 1 of the submissions does not count toward it. Last evaluated 2026-02-01.

Allele frequency attached by ClinVar (database versions not stated): 1000 Genomes Project 30x 0.00047; 1000 Genomes Project 0.00060; gnomAD 0.00261; ExAC 0.00272; TOPMed 0.00277; ESP Exome Variant Server 0.00312; gnomAD exomes 0.00319.
gnomAD v4.1: 4,592 of 1,614,040 alleles (0.28%); highest among the groups gnomAD compares: Middle Eastern, 0.38%; 21 homozygotes.

Submissions (5):

Labcorp Genetics (formerly Invitae), Labcorp
Classification: Likely benign. Last evaluated: 2026-02-01. Review status: criteria provided, single submitter. Criteria: Invitae Variant Classification Sherloc (09022015). Collection method: clinical testing. Allele origin: germline.

CeGaT Center for Human Genetics Tuebingen
Classification: Benign. Last evaluated: 2025-11-01. Review status: criteria provided, single submitter. Criteria: CeGaT Center For Human Genetics Tuebingen Variant Classification Criteria Version 2. Collection method: clinical testing. Allele origin: germline. Affected: yes. Observed: 7 variant alleles.
Comment: FAT1: BP4, BS1, BS2

Mayo Clinic Laboratories, Mayo Clinic
Classification: Benign. Last evaluated: 2023-01-31. Review status: criteria provided, single submitter. Criteria: ACMG Guidelines, 2015. Collection method: clinical testing. Allele origin: germline. Observed: 3 variant alleles.
Comment: BS1, BS2, BP4

Breakthrough Genomics
Classification: Likely benign. Review status: criteria provided, single submitter. Criteria: ACMG Guidelines, 2015. Collection method: not provided. Allele origin: germline. Inheritance: Unknown mechanism. Affected: yes.

Department of Pathology and Laboratory Medicine, Sinai Health System
Classification: Benign. Review status: no assertion criteria provided. Collection method: clinical testing. Allele origin: unknown. Affected: yes. Study: The Canadian Open Genetics Repository (COGR). Not counted in ClinVar's aggregate classification.
Comment: The FAT1 p.Met2845Ile variant was not identified in the literature nor was it identified in ClinVar or Cosmic. The variant was identified in dbSNP (ID: rs138948513) and LOVD 3.0 (classified as likely benign). The variant was identified in control databases in 853 of 280628 chromosomes (7 homozygous) at a frequency of 0.00304 increasing the likelihood this could be a low frequency benign variant (Genome Aggregation Database March 6, 2019, v2.1.1). The variant was observed in the following populations: Ashkenazi Jewish in 330 of 10350 chromosomes (freq: 0.03188), Other in 39 of 7136 chromosomes (freq: 0.005465), European (non-Finnish) in 366 of 128420 chromosomes (freq: 0.00285), Latino in 69 of 35364 chromosomes (freq: 0.001951), South Asian in 33 of 30600 chromosomes (freq: 0.001078), African in 8 of 24198 chromosomes (freq: 0.000331) and European (Finnish) in 8 of 25024 chromosomes (freq: 0.00032), but was not observed in the East Asian population. The p.Met2845 residue is not conserved in mammals and computational analyses (PolyPhen-2, SIFT, AlignGVGD, BLOSUM, MutationTaster) do not suggest a high likelihood of impact to the protein; however, this information is not predictive enough to rule out pathogenicity. The variant occurs outside of the splicing consensus sequence and in silico or computational prediction software programs (SpliceSiteFinder, MaxEntScan, NNSPLICE, GeneSplicer) do not predict a difference in splicing. In summary, based on the above information this variant meets our laboratory's criteria to be classified as benign.